The following is an entry in ClinVar:

NM_022124.6(CDH23):c.857T>C (p.Leu286Pro)

Gene: CDH23 (cadherin related 23; plus strand). Cytogenetic location: 10q22.1.
Variant type: single nucleotide variant.
Coding change: c.857T>C on transcript NM_022124.6 (MANE Select); coding-DNA position 857, T replaced by C.
Protein change: p.Leu286Pro; replaces leucine 286 with proline.
Molecular consequence: missense variant.
Genome position (GRCh38, 1-based): chr10:71,615,528, T>C. VCF-style: chr10-71615528-T-C. GRCh37 (hg19) VCF-style: chr10-73375285-T-C.
Other names: c.857T>C, p.Leu286Pro (NM_001171930.2, NM_001171931.2, NM_001171932.2 and 1 more transcripts); short protein forms L286P.
Identifiers: ClinVar variation 1022036 (VCV001022036.9), dbSNP rs1861132929, ClinGen allele CA377121371.

ClinVar aggregate classification (germline): Uncertain significance. Review status: criteria provided, single submitter (1 of 4 stars). 2 submissions from 2 submitters: Uncertain significance (1). 1 of the submissions does not count toward it. Last evaluated 2022-02-04.

Conditions:
Usher syndrome type 1 (USH1). Also called: RETINITIS PIGMENTOSA AND CONGENITAL DEAFNESS. Identifiers: Orphanet 231169, Orphanet 886, MedGen C1568247, MONDO:0010168, OMIM 276900.

Allele frequency attached by ClinVar (database versions not stated): gnomAD exomes below 0.00001.
gnomAD v4.1: 4 of 1,613,310 alleles (0.00025%); highest among the groups gnomAD compares: Non-Finnish European, 0.00025%; no homozygotes.

Submissions (2):

Labcorp Genetics (formerly Invitae), Labcorp
Classification: Uncertain significance. Last evaluated: 2022-02-04. Review status: criteria provided, single submitter. Criteria: Invitae Variant Classification Sherloc (09022015). Collection method: clinical testing. Allele origin: germline.
Comment: This variant is not present in population databases (gnomAD no frequency). In summary, the available evidence is currently insufficient to determine the role of this variant in disease. Therefore, it has been classified as a Variant of Uncertain Significance. Algorithms developed to predict the effect of missense changes on protein structure and function are either unavailable or do not agree on the potential impact of this missense change (SIFT: "Deleterious"; PolyPhen-2: "Not Available"; Align-GVGD: "Class C65"). ClinVar contains an entry for this variant (Variation ID: 1022036). This variant has not been reported in the literature in individuals affected with CDH23-related conditions. This sequence change replaces leucine, which is neutral and non-polar, with proline, which is neutral and non-polar, at codon 286 of the CDH23 protein (p.Leu286Pro).

Natera, Inc.
Classification: Uncertain significance for Usher syndrome type 1. Last evaluated: 2020-06-26. Review status: no assertion criteria provided. Collection method: clinical testing. Allele origin: germline. Not counted in ClinVar's aggregate classification.